The following is an entry in ClinVar:

ClinVar aggregate classification (germline): Likely pathogenic. Review status: criteria provided, multiple submitters, no conflicts (2 of 4 stars). 2 submissions from 2 submitters: Likely pathogenic (2). Last evaluated 2026-09-08.

Conditions:
Fabry disease. Also called: Angiokeratoma corporis diffusum; Ceramide trihexosidosis; Fabry's disease; ALPHA-GALACTOSIDASE A DEFICIENCY; ANDERSON-FABRY DISEASE; CERAMIDE TRIHEXOSIDASE DEFICIENCY. Identifiers: Orphanet 324, MedGen C0002986, MONDO:0010526, OMIM 301500, HP:0001071. Disease mechanism: Fabry disease is due to inactivating mutations in the X-linked GLA gene resulting in deficiency of the enzyme Alpha Galactosidase-A., loss of function.

Submissions (2):

Genomenon, Inc
Classification: Likely pathogenic for Fabry disease. Last evaluated: 2026-09-08. Review status: criteria provided, single submitter. Criteria: Genomenon Sequence Variant Interpretation Standards - Updated. Collection method: curation. Allele origin: germline. Affected: yes.
Comment: GLA p.Leu414Ser (c.1241T>C) is a missense variant that changes the amino acid at codon 414 from Leucine to Serine. This variant has been observed in at least one proband with clinical features consistent with Fabry disease (PMID:20022777;39766319;32854306;31246960;26252393;27939050;16595074;12938095;27657681). At least one functional study has demonstrated a substantial alteration in protein function relative to the wild-type (PMID:27657681). It is absent or not present at a significant frequency in gnomAD. In silico models predict that this variant is possibly or probably damaging. In conclusion, we classify GLA p.Leu414Ser (c.1241T>C) as a likely pathogenic variant.

GeneDx
Classification: Likely pathogenic. Last evaluated: 2017-03-20. Review status: criteria provided, single submitter. Criteria: GeneDx Variant Classification (06012015). Collection method: clinical testing. Allele origin: germline. Affected: yes.
Comment: The L414S missense variant has been reported in multiple patients with Fabry disease (RodrÃ­guez-MarÃ­ et al. 2003; Shabbeer et al. 2005; Sirrs et al. 2010; Auray-Blais et al. 2008). The L414S variant is not observed in large population cohorts (Lek et al., 2016; 1000 Genomes Consortium et al., 2015; Exome Variant Server). The L414S variant is a non-conservative amino acid substitution, which is likely to impact secondary protein structure as these residues differ in polarity, charge, size and/or other properties. This substitution occurs at a position that is conserved across species. In silico analysis predicts this variant is probably damaging to the protein structure/function. In summary, we interpret L414S as likely pathogenic.

Literature cited by the submitters: PubMed 20022777 (cited by Genomenon, Inc); PubMed 39766319 (cited by Genomenon, Inc); PubMed 32854306 (cited by Genomenon, Inc); PubMed 31246960 (cited by Genomenon, Inc); PubMed 26252393 (cited by Genomenon, Inc); PubMed 27939050 (cited by Genomenon, Inc); PubMed 16595074 (cited by Genomenon, Inc); PubMed 12938095 (cited by Genomenon, Inc); PubMed 27657681 (cited by Genomenon, Inc).

NM_000169.3(GLA):c.1241T>C (p.Leu414Ser)

Genes: GLA (galactosidase alpha; minus strand), RPL36A-HNRNPH2 (RPL36A-HNRNPH2 readthrough; plus strand). Cytogenetic location: Xq22.1.
Variant type: single nucleotide variant.
Coding change: c.1241T>C on transcript NM_000169.3 (MANE Select); coding-DNA position 1241, T replaced by C.
Protein change: p.Leu414Ser; replaces leucine 414 with serine.
Molecular consequence: missense variant. On other transcripts: non-coding transcript variant (3), intron variant (2).
Genome position (GRCh38, 1-based): chrX:101,397,858, A>G on the plus strand (T>C on the coding strand, the complement: GLA is on the minus strand). VCF-style: chrX-101397858-A-G. GRCh37 (hg19) VCF-style: chrX-100652846-A-G.
Other names: c.1364T>C, p.Leu455Ser (NM_001406747.1); c.300+2401A>G (NM_001199973.2); c.177+6036A>G (NM_001199974.2); short protein forms L414S, L455S.
Identifiers: ClinVar variation 419956 (VCV000419956.4), dbSNP rs869312246, ClinGen allele CA16621160.
Genomic context (GRCh38, chrX:101,397,858, plus strand): 5'-AAATAAACATTTTAAAGTAAGTCTTTTAATGACATCTGCATTGTATTTTCTAGCTGAAGC[A>G]AAACAGTGCCTGTGGGATTTATGTGACTTCTTAACCTTGAAGTCCATTCATAGAACCCTA-3'
Protein context (NP_000160.1, residues 404-424): RSHINPTGTV[Leu414Ser]LQLENTMQMS